The following is an entry in ClinVar:

ClinVar aggregate classification (germline): Conflicting classifications of pathogenicity. Review status: criteria provided, conflicting classifications (1 of 4 stars). 2 submissions from 2 submitters: Pathogenic (1); Uncertain significance (1). Last evaluated 2025-06-04.

Submissions (2):

GeneDx
Classification: Pathogenic. Last evaluated: 2025-06-04. Review status: criteria provided, single submitter. Criteria: GeneDx Variant Classification Process June 2021. Collection method: clinical testing. Allele origin: germline. Affected: yes.
Comment: Not observed at significant frequency in large population cohorts (gnomAD); In silico analysis suggests that this missense variant does not alter protein structure/function; This variant is associated with the following publications: (PMID: 27535533, 33057194, 31785789, 35982159, 28135719)

Labcorp Genetics (formerly Invitae), Labcorp
Classification: Uncertain significance. Last evaluated: 2022-05-17. Review status: criteria provided, single submitter. Criteria: Invitae Variant Classification Sherloc (09022015). Collection method: clinical testing. Allele origin: germline.
Comment: This sequence change replaces valine, which is neutral and non-polar, with methionine, which is neutral and non-polar, at codon 1113 of the TRRAP protein (p.Val1113Met). This variant is not present in population databases (gnomAD no frequency). This missense change has been observed in individual(s) with TRRAP-related conditions (PMID: 28135719). Algorithms developed to predict the effect of missense changes on protein structure and function are either unavailable or do not agree on the potential impact of this missense change (SIFT: "Tolerated"; PolyPhen-2: "Possibly Damaging"; Align-GVGD: "Class C0"). In summary, the available evidence is currently insufficient to determine the role of this variant in disease. Therefore, it has been classified as a Variant of Uncertain Significance.

Literature cited by the submitters: PubMed 28135719 (cited by Labcorp Genetics (formerly Invitae), Labcorp).

NM_001375524.1(TRRAP):c.3337G>A (p.Val1113Met)

Gene: TRRAP (transformation/transcription domain associated protein; plus strand). Cytogenetic location: 7q22.1.
Variant type: single nucleotide variant.
Coding change: c.3337G>A on transcript NM_001375524.1 (MANE Select); coding-DNA position 3337, G replaced by A.
Protein change: p.Val1113Met; replaces valine 1113 with methionine.
Molecular consequence: missense variant.
Genome position (GRCh38, 1-based): chr7:98,930,150, G>A. VCF-style: chr7-98930150-G-A. GRCh37 (hg19) VCF-style: chr7-98527773-G-A.
Other names: c.3337G>A, p.Val1113Met (NM_001244580.2, NM_003496.4); c.3337G>A (NM_003496.3); short protein forms V1113M.
Identifiers: ClinVar variation 2152039 (VCV002152039.5), dbSNP rs2484776976, ClinGen allele CA368299158.